The following is an entry in ClinVar:

ClinVar aggregate classification (germline): Pathogenic/Likely pathogenic. Review status: criteria provided, multiple submitters, no conflicts (2 of 4 stars). 2 submissions from 2 submitters: Pathogenic (1); Likely pathogenic (1). Last evaluated 2023-04-26.

Conditions:
Charcot-Marie-Tooth disease dominant intermediate C (CMTDIC). Also called: CHARCOT-MARIE-TOOTH NEUROPATHY, DOMINANT INTERMEDIATE C. Identifiers: Orphanet 100045, MedGen C1842237, MONDO:0012012, OMIM 608323.

Submissions (2):

Labcorp Genetics (formerly Invitae), Labcorp
Classification: Pathogenic for Charcot-Marie-Tooth disease dominant intermediate C. Last evaluated: 2023-04-26. Review status: criteria provided, single submitter. Criteria: Invitae Variant Classification Sherloc (09022015). Collection method: clinical testing. Allele origin: germline.
Comment: This variant disrupts the p.Glu196 amino acid residue in YARS. Other variant(s) that disrupt this residue have been determined to be pathogenic (PMID: 16429158, 19561293). This suggests that this residue is clinically significant, and that variants that disrupt this residue are likely to be disease-causing. For these reasons, this variant has been classified as Pathogenic. Experimental studies have shown that this missense change affects YARS function (PMID: 26257172). Advanced modeling of protein sequence and biophysical properties (such as structural, functional, and spatial information, amino acid conservation, physicochemical variation, residue mobility, and thermodynamic stability) performed at Invitae indicates that this missense variant is not expected to disrupt YARS protein function. ClinVar contains an entry for this variant (Variation ID: 243071). This missense change has been observed in individuals with Charcot-Marie-Tooth disease, type I (PMID: 26257172; Invitae). It has also been observed to segregate with disease in related individuals. This variant is not present in population databases (gnomAD no frequency). This sequence change replaces glutamic acid, which is acidic and polar, with glutamine, which is neutral and polar, at codon 196 of the YARS protein (p.Glu196Gln).

Lupski Lab, Baylor-Hopkins CMG, Baylor College of Medicine
Classification: Likely pathogenic for Charcot-Marie-Tooth disease dominant intermediate C. Last evaluated: 2015-08-18. Review status: criteria provided, single submitter. Criteria: Gonzaga-Jauregui et al. (Cell Rep. 2015). Collection method: research. Allele origin: maternal. Inheritance: Autosomal dominant inheritance. Affected: yes. Observed: 3 variant alleles, 3 heterozygotes.
Comment: Likely pathogenic based on segregation with the phenotype in a pedigree with dominant intermediate CMT, and based on conservation and prediction scores (Phylop, Polyphen, SIFT, MutationTaster).

Literature cited by the submitters: PubMed 16429158 (cited by Labcorp Genetics (formerly Invitae), Labcorp); PubMed 19561293 (cited by Labcorp Genetics (formerly Invitae), Labcorp); PubMed 26257172 (cited by Labcorp Genetics (formerly Invitae), Labcorp).

NM_003680.4(YARS1):c.586G>C (p.Glu196Gln)

Gene: YARS1 (tyrosyl-tRNA synthetase 1; minus strand). Cytogenetic location: 1p35.1.
Variant type: single nucleotide variant.
Coding change: c.586G>C on transcript NM_003680.4 (MANE Select); coding-DNA position 586, G replaced by C.
Protein change: p.Glu196Gln; replaces glutamic acid 196 with glutamine.
Molecular consequence: missense variant.
Genome position (GRCh38, 1-based): chr1:32,797,768, C>G on the plus strand (G>C on the coding strand, the complement: YARS1 is on the minus strand). VCF-style: chr1-32797768-C-G. GRCh37 (hg19) VCF-style: chr1-33263369-C-G.
Other names: short protein forms E196Q.
Identifiers: ClinVar variation 243071 (VCV000243071.11), dbSNP rs121908834, ClinGen allele CA10584076.